The following is an entry in ClinVar:

NM_000219.6(KCNE1):c.132C>A (p.Ala44=)

Gene: KCNE1 (potassium voltage-gated channel subfamily E regulatory subunit 1; minus strand). Cytogenetic location: 21q22.12.
Variant type: single nucleotide variant.
Coding change: c.132C>A on transcript NM_000219.6 (MANE Select); coding-DNA position 132, C replaced by A.
Protein change: p.Ala44=; no amino-acid change (alanine 44 retained).
Molecular consequence: synonymous variant.
Genome position (GRCh38, 1-based): chr21:34,449,503, G>T on the plus strand (C>A on the coding strand, the complement: KCNE1 is on the minus strand). VCF-style: chr21-34449503-G-T. GRCh37 (hg19) VCF-style: chr21-35821801-G-T.
Other names: c.132C>A, p.Ala44= (NM_001127668.4, NM_001127669.4, NM_001127670.4 and 4 more transcripts).
Identifiers: ClinVar variation 3374130 (VCV003374130.2).

Conditions:
Long QT syndrome 5 (LQT5). Identifiers: Orphanet 101016, Orphanet 768, MedGen C1867904, MONDO:0013372, OMIM 613695.

Submission:

Roden Lab, Vanderbilt University Medical Center
No classification provided (evidence only). Condition: Long QT syndrome 5. Review status: no classification provided. Collection method: in vitro. Allele origin: not applicable. Functional consequence: Effect on ion channel function.
ClinVar note: "not provided" was previously submitted as the classification for the variant. However, the classification appeared to be based only on an observation of functional data so it was converted to no classification on 2025-07-30.